The following is an entry in ClinVar:

ClinVar aggregate classification (germline): Uncertain significance. Review status: criteria provided, multiple submitters, no conflicts (2 of 4 stars). 3 submissions from 3 submitters: Uncertain significance (2). 1 of the submissions does not count toward it. Last evaluated 2023-07-10.

Conditions:
Hereditary breast ovarian cancer syndrome. Also called: Hereditary breast and ovarian cancer syndrome; Hereditary breast and ovarian cancer; Hereditary breast and ovarian cancer syndrome (HBOC); Breast and ovarian cancer; Hereditary breast and/or ovarian cancer syndrome; BRCA1- and BRCA2-Associated Hereditary Breast and Ovarian Cancer. Identifiers: Orphanet 145, MedGen C0677776, MeSH D061325, MONDO:0003582. Disease mechanism: loss of function.
Hereditary cancer-predisposing syndrome. Also called: Neoplastic Syndromes, Hereditary; Tumor predisposition; Hereditary neoplastic syndrome; Hereditary Cancer Syndrome. Identifiers: Orphanet 140162, MedGen C0027672, MeSH D009386, MONDO:0015356.
Breast-ovarian cancer, familial, susceptibility to, 2 (BROVCA2). Also called: BRCA2 Hereditary Breast and Ovarian Cancer. Identifiers: Orphanet 145, MedGen C2675520, MONDO:0012933, OMIM 612555. Disease mechanism: loss of function.

Allele frequency attached by ClinVar (database versions not stated): gnomAD exomes below 0.00001.
gnomAD v4.1: 2 of 1,613,826 alleles (0.00012%); highest among the groups gnomAD compares: African/African-American, 0.0013%; no homozygotes.

Submissions (3):

Ambry Genetics
Classification: Uncertain significance for Hereditary cancer-predisposing syndrome. Last evaluated: 2023-07-10. Review status: criteria provided, single submitter. Criteria: Ambry Variant Classification Scheme 2023. Collection method: clinical testing. Allele origin: germline.
Comment: The p.G2441A variant (also known as c.7322G>C), located in coding exon 13 of the BRCA2 gene, results from a G to C substitution at nucleotide position 7322. The glycine at codon 2441 is replaced by alanine, an amino acid with similar properties. This amino acid position is not well conserved in available vertebrate species. In addition, this alteration is predicted to be tolerated by in silico analysis. Since supporting evidence is limited at this time, the clinical significance of this alteration remains unclear.

Labcorp Genetics (formerly Invitae), Labcorp
Classification: Uncertain significance for Hereditary breast ovarian cancer syndrome. Last evaluated: 2023-04-15. Review status: criteria provided, single submitter. Criteria: Invitae Variant Classification Sherloc (09022015). Collection method: clinical testing. Allele origin: germline.
Comment: In summary, the available evidence is currently insufficient to determine the role of this variant in disease. Therefore, it has been classified as a Variant of Uncertain Significance. Advanced modeling of protein sequence and biophysical properties (such as structural, functional, and spatial information, amino acid conservation, physicochemical variation, residue mobility, and thermodynamic stability) performed at Invitae indicates that this missense variant is not expected to disrupt BRCA2 protein function. ClinVar contains an entry for this variant (Variation ID: 52309). This variant has not been reported in the literature in individuals affected with BRCA2-related conditions. This variant is not present in population databases (gnomAD no frequency). This sequence change replaces glycine, which is neutral and non-polar, with alanine, which is neutral and non-polar, at codon 2441 of the BRCA2 protein (p.Gly2441Ala).

Breast Cancer Information Core (BIC) (BRCA2)
Classification: Uncertain significance for Breast-ovarian cancer, familial 2. Last evaluated: 2004-02-20. Review status: no assertion criteria provided. Collection method: clinical testing. Allele origin: germline. Affected: yes. Observed: 1 variant allele. Not counted in ClinVar's aggregate classification.

NM_000059.4(BRCA2):c.7322G>C (p.Gly2441Ala)

Gene: BRCA2 (BRCA2 DNA repair associated; plus strand). Cytogenetic location: 13q13.1.
Variant type: single nucleotide variant.
Coding change: c.7322G>C on transcript NM_000059.4 (MANE Select); coding-DNA position 7322, G replaced by C.
Protein change: p.Gly2441Ala; replaces glycine 2441 with alanine.
Molecular consequence: missense variant.
Genome position (GRCh38, 1-based): chr13:32,355,175, G>C. VCF-style: chr13-32355175-G-C. GRCh37 (hg19) VCF-style: chr13-32929312-G-C.
Other names: short protein forms G2441A.
Identifiers: ClinVar variation 52309 (VCV000052309.11), dbSNP rs80358958, ClinGen allele CA025030.